The following is an entry in ClinVar:

NM_000836.4(GRIN2D):c.3667C>T (p.Arg1223Trp)

Gene: GRIN2D (glutamate ionotropic receptor NMDA type subunit 2D; plus strand). Cytogenetic location: 19q13.33.
Variant type: single nucleotide variant.
Coding change: c.3667C>T on transcript NM_000836.4 (MANE Select); coding-DNA position 3667, C replaced by T.
Protein change: p.Arg1223Trp; replaces arginine 1223 with tryptophan.
Molecular consequence: missense variant.
Genome position (GRCh38, 1-based): chr19:48,443,593, C>T. VCF-style: chr19-48443593-C-T. GRCh37 (hg19) VCF-style: chr19-48946850-C-T.
Other names: short protein forms R1223W.
Identifiers: ClinVar variation 1494638 (VCV001494638.8), dbSNP rs974624784, ClinGen allele CA309299458.

ClinVar aggregate classification (germline): Uncertain significance (1 of 4 stars; one submission).

Allele frequency attached by ClinVar (database versions not stated): gnomAD exomes below 0.00001; TOPMed below 0.00001.
gnomAD v4.1: 2 of 1,164,540 alleles (0.00017%); highest among the groups gnomAD compares: African/African-American, 0.0016%; no homozygotes.

Submission:

Labcorp Genetics (formerly Invitae), Labcorp
Classification: Uncertain significance. Last evaluated: 2022-06-13. Review status: criteria provided, single submitter. Criteria: Invitae Variant Classification Sherloc (09022015). Collection method: clinical testing. Allele origin: germline.
Comment: Advanced modeling of protein sequence and biophysical properties (such as structural, functional, and spatial information, amino acid conservation, physicochemical variation, residue mobility, and thermodynamic stability) performed at Invitae indicates that this missense variant is not expected to disrupt GRIN2D protein function. This variant has not been reported in the literature in individuals affected with GRIN2D-related conditions. The frequency data for this variant in the population databases is considered unreliable, as metrics indicate insufficient coverage at this position in the gnomAD database. This sequence change replaces arginine, which is basic and polar, with tryptophan, which is neutral and slightly polar, at codon 1223 of the GRIN2D protein (p.Arg1223Trp). In summary, the available evidence is currently insufficient to determine the role of this variant in disease. Therefore, it has been classified as a Variant of Uncertain Significance.